The following is an entry in ClinVar:

NM_001252102.2(KIF21B):c.497A>C (p.Asp166Ala)

Gene: KIF21B (kinesin family member 21B; minus strand). Cytogenetic location: 1q32.1.
Variant type: single nucleotide variant.
Coding change: c.497A>C on transcript NM_001252102.2 (MANE Select); coding-DNA position 497, A replaced by C.
Protein change: p.Asp166Ala; replaces aspartic acid 166 with alanine.
Molecular consequence: missense variant.
Genome position (GRCh38, 1-based): chr1:201,005,645, T>G on the plus strand (A>C on the coding strand, the complement: KIF21B is on the minus strand). VCF-style: chr1-201005645-T-G. GRCh37 (hg19) VCF-style: chr1-200974773-T-G.
Other names: c.497A>C, p.Asp166Ala (NM_001252100.2, NM_001252103.2, NM_017596.4); short protein forms D166A.
Identifiers: ClinVar variation 1704053 (VCV001704053.2), dbSNP rs2465230669, ClinGen allele CA344115802.

ClinVar aggregate classification (germline): Uncertain significance (1 of 4 stars; one submission).

Submission:

GeneDx
Classification: Uncertain significance. Last evaluated: 2022-02-28. Review status: criteria provided, single submitter. Criteria: GeneDx Variant Classification Process June 2021. Collection method: clinical testing. Allele origin: germline. Affected: yes.
Comment: Not observed at significant frequency in large population cohorts (gnomAD); In silico analysis supports that this missense variant has a deleterious effect on protein structure/function; Has not been previously published as pathogenic or benign to our knowledge